The following is an entry in ClinVar:

NM_001144869.3(LIPT2):c.93G>T (p.Gln31His)

Genes: LIPT2 (lipoyl(octanoyl) transferase 2; minus strand), LIPT2-AS1 (LIPT2 antisense RNA 1; plus strand). Cytogenetic location: 11q13.4.
Variant type: single nucleotide variant.
Coding change: c.93G>T on transcript NM_001144869.3 (MANE Select); coding-DNA position 93, G replaced by T.
Protein change: p.Gln31His; replaces glutamine 31 with histidine.
Molecular consequence: missense variant. On other transcripts: non-coding transcript variant (1).
Genome position (GRCh38, 1-based): chr11:74,493,611, C>A on the plus strand (G>T on the coding strand, the complement: LIPT2 is on the minus strand). VCF-style: chr11-74493611-C-A. GRCh37 (hg19) VCF-style: chr11-74204656-C-A.
Other names: c.93G>T, p.Gln31His (NM_001329941.2, NM_001329942.2); short protein forms Q31H.
Identifiers: ClinVar variation 1911779 (VCV001911779.5), dbSNP rs1459677644, ClinGen allele CA381977074.

ClinVar aggregate classification (germline): Uncertain significance (1 of 4 stars; one submission).

Allele frequency attached by ClinVar (database versions not stated): TOPMed below 0.00001; gnomAD 0.00001.
gnomAD v4.1: 12 of 1,457,548 alleles (0.00082%); highest among the groups gnomAD compares: Non-Finnish European, 0.00099%; no homozygotes.

Submission:

Labcorp Genetics (formerly Invitae), Labcorp
Classification: Uncertain significance. Last evaluated: 2022-07-12. Review status: criteria provided, single submitter. Criteria: Invitae Variant Classification Sherloc (09022015). Collection method: clinical testing. Allele origin: germline.
Comment: In summary, the available evidence is currently insufficient to determine the role of this variant in disease. Therefore, it has been classified as a Variant of Uncertain Significance. Algorithms developed to predict the effect of missense changes on protein structure and function are either unavailable or do not agree on the potential impact of this missense change (SIFT: "Not Available"; PolyPhen-2: "Benign"; Align-GVGD: "Not Available"). This variant has not been reported in the literature in individuals affected with LIPT2-related conditions. The frequency data for this variant in the population databases is considered unreliable, as metrics indicate poor data quality at this position in the gnomAD database. This sequence change replaces glutamine, which is neutral and polar, with histidine, which is basic and polar, at codon 31 of the LIPT2 protein (p.Gln31His).